The following is an entry in ClinVar:

NM_002878.4(RAD51D):c.78G>C (p.Lys26Asn)

Genes: RAD51D (RAD51 paralog D; minus strand), RAD51L3-RFFL (RAD51L3-RFFL readthrough; minus strand). Cytogenetic location: 17q12.
Variant type: single nucleotide variant.
Coding change: c.78G>C on transcript NM_002878.4 (MANE Select); coding-DNA position 78, G replaced by C.
Protein change: p.Lys26Asn; replaces lysine 26 with asparagine.
Molecular consequence: missense variant. On other transcripts: non-coding transcript variant (2).
Genome position (GRCh38, 1-based): chr17:35,119,536, C>G on the plus strand (G>C on the coding strand, the complement: RAD51D is on the minus strand). VCF-style: chr17-35119536-C-G. GRCh37 (hg19) VCF-style: chr17-33446555-C-G.
Other names: c.78G>C, p.Lys26Asn (NM_001142571.2, NM_133629.3); short protein forms K26N.
Identifiers: ClinVar variation 1993500 (VCV001993500.4), dbSNP rs2142480132, ClinGen allele CA399092264.

ClinVar aggregate classification (germline): Uncertain significance (1 of 4 stars; one submission).

Conditions:
Breast-ovarian cancer, familial, susceptibility to, 4. Identifiers: Orphanet 145, MedGen C3280345, MONDO:0013669, OMIM 614291.

Submission:

Labcorp Genetics (formerly Invitae), Labcorp
Classification: Uncertain significance for Breast-ovarian cancer, familial, susceptibility to, 4. Last evaluated: 2023-01-20. Review status: criteria provided, single submitter. Criteria: Invitae Variant Classification Sherloc (09022015). Collection method: clinical testing. Allele origin: germline.
Comment: In summary, the available evidence is currently insufficient to determine the role of this variant in disease. Therefore, it has been classified as a Variant of Uncertain Significance. Algorithms developed to predict the effect of missense changes on protein structure and function (SIFT, PolyPhen-2, Align-GVGD) all suggest that this variant is likely to be tolerated. This variant has not been reported in the literature in individuals affected with RAD51D-related conditions. This variant is not present in population databases (gnomAD no frequency). This sequence change replaces lysine, which is basic and polar, with asparagine, which is neutral and polar, at codon 26 of the RAD51D protein (p.Lys26Asn).